The following is an entry in ClinVar:

NM_080605.4(B3GALT6):c.702C>T (p.Tyr234=)

Gene: B3GALT6 (beta-1,3-galactosyltransferase 6; plus strand). Cytogenetic location: 1p36.33.
Variant type: single nucleotide variant.
Coding change: c.702C>T on transcript NM_080605.4 (MANE Select); coding-DNA position 702, C replaced by T.
Protein change: p.Tyr234=; no amino-acid change (tyrosine 234 retained).
Molecular consequence: synonymous variant.
Genome position (GRCh38, 1-based): chr1:1,232,980, C>T. VCF-style: chr1-1232980-C-T. GRCh37 (hg19) VCF-style: chr1-1168360-C-T.
Other names: c.702C>T (NM_080605.3).
Identifiers: ClinVar variation 2166034 (VCV002166034.6), dbSNP rs776467362, ClinGen allele CA513428.
Genomic context (GRCh38, chr1:1,232,980, plus strand): 5'-GGGCGGCGGCTACGTGCTCTCGGCCGACCTGGTGCACTACCTGCGCCTCAGCCGCGACTA[C>T]CTGCGCGCCTGGCACAGCGAGGACGTGTCTCTGGGCGCCTGGCTGGCGCCGGTGGACGTC-3'
Protein context (NP_542172.2, residues 224-244): LVHYLRLSRD[Tyr234=]LRAWHSEDVS

ClinVar aggregate classification (germline): Likely benign. Review status: criteria provided, single submitter (1 of 4 stars). 2 submissions from 2 submitters: Likely benign (1). 1 of the submissions does not count toward it. Last evaluated 2024-11-05.

Conditions:
Ehlers-Danlos syndrome, spondylodysplastic type, 2 (EDSSPD2). Also called: Ehlers-Danlos syndrome, progeroid type, 2. Identifiers: Orphanet 536467, Orphanet 75496, MedGen C3809210, MONDO:0014139, OMIM 615349.
Spondyloepimetaphyseal dysplasia with joint laxity (SEMDJL). Identifiers: MedGen C0432243, MONDO:0019675.
B3GALT6-related disorder. Also called: B3GALT6-related condition.

Submissions (2):

Labcorp Genetics (formerly Invitae), Labcorp
Classification: Likely benign for Ehlers-Danlos syndrome, spondylodysplastic type, 2; Spondyloepimetaphyseal dysplasia with joint laxity. Last evaluated: 2024-11-05. Review status: criteria provided, single submitter. Criteria: Invitae Variant Classification Sherloc (09022015). Collection method: clinical testing. Allele origin: germline.

PreventionGenetics, part of Exact Sciences
Classification: Likely benign for B3GALT6-related condition. Last evaluated: 2019-06-27. Review status: no assertion criteria provided. Collection method: clinical testing. Allele origin: germline. Not counted in ClinVar's aggregate classification.
Comment: This variant is classified as likely benign based on ACMG/AMP sequence variant interpretation guidelines (Richards et al. 2015 PMID: 25741868, with internal and published modifications).